The following is an entry in ClinVar:

ClinVar aggregate classification (germline): Uncertain significance. Review status: criteria provided, multiple submitters, no conflicts (2 of 4 stars). 2 submissions from 2 submitters: Uncertain significance (2). Last evaluated 2023-12-25.

Conditions:
Mowat-Wilson syndrome (MOWS). Also called: Classic Mowat-Wilson Syndrome. Identifiers: Orphanet 2152, MedGen C1856113, MONDO:0009341, OMIM 235730.

gnomAD v4.1: 2 of 1,614,156 alleles (0.00012%); highest among the groups gnomAD compares: South Asian, 0.0022%; no homozygotes.

Submissions (2):

Labcorp Genetics (formerly Invitae), Labcorp
Classification: Uncertain significance for Mowat-Wilson syndrome. Last evaluated: 2023-12-25. Review status: criteria provided, single submitter. Criteria: Invitae Variant Classification Sherloc (09022015). Collection method: clinical testing. Allele origin: germline.
Comment: This sequence change replaces proline, which is neutral and non-polar, with serine, which is neutral and polar, at codon 771 of the ZEB2 protein (p.Pro771Ser). This variant is present in population databases (no rsID available, gnomAD 0.003%). This variant has not been reported in the literature in individuals affected with ZEB2-related conditions. Advanced modeling of protein sequence and biophysical properties (such as structural, functional, and spatial information, amino acid conservation, physicochemical variation, residue mobility, and thermodynamic stability) performed at Invitae indicates that this missense variant is not expected to disrupt ZEB2 protein function with a negative predictive value of 80%. In summary, the available evidence is currently insufficient to determine the role of this variant in disease. Therefore, it has been classified as a Variant of Uncertain Significance.

Revvity Omics, Revvity
Classification: Uncertain significance for Mowat-Wilson syndrome. Last evaluated: 2023-02-27. Review status: criteria provided, single submitter. Criteria: ACMG Guidelines, 2015. Collection method: clinical testing. Allele origin: germline.

NM_014795.4(ZEB2):c.2311C>T (p.Pro771Ser)

Gene: ZEB2 (zinc finger E-box binding homeobox 2; minus strand). Cytogenetic location: 2q22.3.
Variant type: single nucleotide variant.
Coding change: c.2311C>T on transcript NM_014795.4 (MANE Select); coding-DNA position 2311, C replaced by T.
Protein change: p.Pro771Ser; replaces proline 771 with serine.
Molecular consequence: missense variant.
Genome position (GRCh38, 1-based): chr2:144,398,876, G>A on the plus strand (C>T on the coding strand, the complement: ZEB2 is on the minus strand). VCF-style: chr2-144398876-G-A. GRCh37 (hg19) VCF-style: chr2-145156443-G-A.
Other names: c.2239C>T, p.Pro747Ser (NM_001171653.2); short protein forms P747S, P771S.
Identifiers: ClinVar variation 2690457 (VCV002690457.5), dbSNP rs1157918568, ClinGen allele CA348708567.